The following is an entry in ClinVar:

NM_025103.4(IFT74):c.777G>C (p.Glu259Asp)

Gene: IFT74 (intraflagellar transport 74; plus strand). Cytogenetic location: 9p21.2.
Variant type: single nucleotide variant.
Coding change: c.777G>C on transcript NM_025103.4 (MANE Select); coding-DNA position 777, G replaced by C.
Protein change: p.Glu259Asp; replaces glutamic acid 259 with aspartic acid.
Molecular consequence: missense variant.
Genome position (GRCh38, 1-based): chr9:27,011,956, G>C. VCF-style: chr9-27011956-G-C. GRCh37 (hg19) VCF-style: chr9-27011954-G-C.
Other names: c.777G>C (NM_001099222.1); c.777G>C, p.Glu259Asp (NM_001099222.3, NM_001099223.3, NM_001099224.3 and 1 more transcripts); short protein forms E259D.
Identifiers: ClinVar variation 1919032 (VCV001919032.5), dbSNP rs1219330850, ClinGen allele CA373117891.

ClinVar aggregate classification (germline): Uncertain significance. Review status: criteria provided, multiple submitters, no conflicts (2 of 4 stars). 2 submissions from 2 submitters: Uncertain significance (2). Last evaluated 2025-08-13.

Conditions:
Inborn genetic diseases. Identifiers: MedGen C0950123, MeSH D030342.

Allele frequency attached by ClinVar (database versions not stated): TOPMed 0.00001.

Submissions (2):

Ambry Genetics
Classification: Uncertain significance for Inborn genetic diseases. Last evaluated: 2025-08-13. Review status: criteria provided, single submitter. Criteria: Ambry Variant Classification Scheme 2023. Collection method: clinical testing. Allele origin: germline.

Labcorp Genetics (formerly Invitae), Labcorp
Classification: Uncertain significance. Last evaluated: 2024-06-10. Review status: criteria provided, single submitter. Criteria: Invitae Variant Classification Sherloc (09022015). Collection method: clinical testing. Allele origin: germline.
Comment: This sequence change replaces glutamic acid, which is acidic and polar, with aspartic acid, which is acidic and polar, at codon 259 of the IFT74 protein (p.Glu259Asp). This variant is not present in population databases (gnomAD no frequency). This variant has not been reported in the literature in individuals affected with IFT74-related conditions. ClinVar contains an entry for this variant (Variation ID: 1919032). Algorithms developed to predict the effect of missense changes on protein structure and function output the following: SIFT: "Not Available"; PolyPhen-2: "Benign"; Align-GVGD: "Not Available". The aspartic acid amino acid residue is found in multiple mammalian species, which suggests that this missense change does not adversely affect protein function. In summary, the available evidence is currently insufficient to determine the role of this variant in disease. Therefore, it has been classified as a Variant of Uncertain Significance.